The following is an entry in ClinVar:

NM_001079872.2(CUL4B):c.2085A>T (p.Leu695=)

Gene: CUL4B (cullin 4B; minus strand). Cytogenetic location: Xq24.
Variant type: single nucleotide variant.
Coding change: c.2085A>T on transcript NM_001079872.2 (MANE Select); coding-DNA position 2085, A replaced by T.
Protein change: p.Leu695=; no amino-acid change (leucine 695 retained).
Molecular consequence: synonymous variant.
Genome position (GRCh38, 1-based): chrX:120,535,905, T>A on the plus strand (A>T on the coding strand, the complement: CUL4B is on the minus strand). VCF-style: chrX-120535905-T-A. GRCh37 (hg19) VCF-style: chrX-119669760-T-A.
Other names: c.2100A>T, p.Leu700= (NM_001330624.2); c.1551A>T, p.Leu517= (NM_001369145.1); c.2139A>T, p.Leu713= (NM_003588.4).
Identifiers: ClinVar variation 3350881 (VCV003350881.1).

ClinVar aggregate classification (germline): Likely benign (0 of 4 stars; one submission).

Conditions:
CUL4B-related disorder. Also called: CUL4B-related condition.

Submission:

PreventionGenetics, part of Exact Sciences
Classification: Likely benign for CUL4B-related condition. Last evaluated: 2023-03-22. Review status: no assertion criteria provided. Collection method: clinical testing. Allele origin: germline.
Comment: This variant is classified as likely benign based on ACMG/AMP sequence variant interpretation guidelines (Richards et al. 2015 PMID: 25741868, with internal and published modifications).